The following is an entry in ClinVar:

ClinVar aggregate classification (germline): Likely benign (1 of 4 stars; one submission).

Conditions:
GANAB-related disorder. Also called: GANAB-related condition.

gnomAD v4.1: 35 of 1,611,458 alleles (0.0022%); highest among the groups gnomAD compares: Admixed American, 0.005%; no homozygotes.

Submission:

PreventionGenetics, part of Exact Sciences
Classification: Likely benign for GANAB-related condition. Last evaluated: 2025-06-01. Review status: criteria provided, single submitter. Criteria: ACMG Guidelines, 2015. Collection method: clinical testing. Allele origin: germline.
Comment: This variant is classified as likely benign based on ACMG/AMP sequence variant interpretation guidelines (Richards et al. 2015 PMID: 25741868, with internal and published modifications).

NM_198334.3(GANAB):c.2715C>G (p.Leu905=)

Gene: GANAB (glucosidase II alpha subunit; minus strand). Cytogenetic location: 11q12.3.
Variant type: single nucleotide variant.
Coding change: c.2715C>G on transcript NM_198334.3 (MANE Select); coding-DNA position 2715, C replaced by G.
Protein change: p.Leu905=; no amino-acid change (leucine 905 retained).
Molecular consequence: synonymous variant.
Genome position (GRCh38, 1-based): chr11:62,626,075, G>C on the plus strand (C>G on the coding strand, the complement: GANAB is on the minus strand). VCF-style: chr11-62626075-G-C. GRCh37 (hg19) VCF-style: chr11-62393547-G-C.
Other names: c.2439C>G, p.Leu813= (NM_001278192.2); c.2373C>G, p.Leu791= (NM_001278193.2); c.2424C>G, p.Leu808= (NM_001278194.2, NM_001329222.2, NM_001329223.2); c.1992C>G, p.Leu664= (NM_001329224.2, NM_001329225.2); c.2781C>G, p.Leu927= (NM_198335.4).
Identifiers: ClinVar variation 4981490 (VCV004981490.1).